The following is an entry in ClinVar:

ClinVar aggregate classification (germline): Benign (1 of 4 stars; one submission).

Conditions:
Multiple endocrine neoplasia, type 1 (MEN1). Also called: MEN I; WERMER SYNDROME; Endocrine adenomatosis multiple; MEN 1; MEA I. Identifiers: Orphanet 652, MedGen C0025267, MeSH D018761, MONDO:0007540, OMIM 131100.

Submission:

Myriad Genetics, Inc.
Classification: Benign for Multiple endocrine neoplasia, type 1. Last evaluated: 2024-11-05. Review status: criteria provided, single submitter. Criteria: Myriad Autosomal Dominant, Autosomal Recessive and X-Linked Classification Criteria (2023). Collection method: clinical testing. Allele origin: unknown.
Comment: This variant is considered benign. This variant is a silent/synonymous amino acid change and it is not expected to impact splicing.

NM_001370259.2(MEN1):c.1254_1257delinsTGGG (p.Asp418_Gly419=)

Gene: MEN1 (menin 1; minus strand). Cytogenetic location: 11q13.1.
Variant type: Indel.
Coding change: c.1254_1257delinsTGGG on transcript NM_001370259.2 (MANE Select); coding-DNA positions 1254 to 1257, CGGC replaced by TGGG.
Protein change: p.Asp418_Gly419=.
Molecular consequence: synonymous variant. On other transcripts: non-coding transcript variant (4), intron variant (1).
Genome position (GRCh38, 1-based): chr11:64,805,127-64,805,130, GCCG replaced by CCCA on the plus strand (CGGC replaced by TGGG on the coding strand, the reverse complement: MEN1 is on the minus strand). VCF-style: chr11-64805127-GCCG-CCCA. GRCh37 (hg19) VCF-style: chr11-64572599-GCCG-CCCA.
Other names: c.1269_1272delinsTGGG, p.Asp423_Gly424= (NM_000244.4, NM_001407145.1, NM_130800.3 and 4 more transcripts); c.1380_1383delinsTGGG, p.Asp460_Gly461= (NM_001370251.2, NM_001407142.1, NM_001407143.1 and 1 more transcripts); c.1254_1257delinsTGGG, p.Asp418_Gly419= (NM_001370260.2, NM_001370261.2, NM_001407146.1 and 2 more transcripts); c.1149_1152delinsTGGG, p.Asp383_Gly384= (NM_001370262.2, NM_001370263.2, NM_001407148.1 and 1 more transcripts); c.1395_1398delinsTGGG, p.Asp465_Gly466= (NM_001407150.1); c.1275_1278delinsTGGG, p.Asp425_Gly426= (NM_001407151.1); c.1186-314_1186-311delinsTGGG (NM_001407152.1).
Identifiers: ClinVar variation 3773240 (VCV003773240.1).